The following is an entry in ClinVar:

NM_032634.4(PIGO):c.715C>T (p.His239Tyr)

Gene: PIGO (phosphatidylinositol glycan anchor biosynthesis class O; minus strand). Cytogenetic location: 9p13.3.
Variant type: single nucleotide variant.
Coding change: c.715C>T on transcript NM_032634.4 (MANE Select); coding-DNA position 715, C replaced by T.
Protein change: p.His239Tyr; replaces histidine 239 with tyrosine.
Molecular consequence: missense variant.
Genome position (GRCh38, 1-based): chr9:35,093,965, G>A on the plus strand (C>T on the coding strand, the complement: PIGO is on the minus strand). VCF-style: chr9-35093965-G-A. GRCh37 (hg19) VCF-style: chr9-35093962-G-A.
Other names: c.715C>T, p.His239Tyr (NM_001201484.2, NM_152850.4); short protein forms H239Y.
Identifiers: ClinVar variation 1004297 (VCV001004297.8), dbSNP rs1273593671, ClinGen allele CA373323663.
Genomic context (GRCh38, chr9:35,093,965, plus strand): 5'-TCACCTGGTCCATCTGGCTAAGTTTCTTGGCCATTTCAGGGTGGTGAGGGCCATGCTTGT[G>A]GCCACAGTGGTCCACACCCAGGAAGTGAGCAATCAGCACGTCCCATTCACCACTGTCCAC-3'
Protein context (NP_116023.2, residues 229-249): AHFLGVDHCG[His239Tyr]KHGPHHPEMA

ClinVar aggregate classification (germline): Uncertain significance (1 of 4 stars; one submission).

Conditions:
Hyperphosphatasia with impaired intellectual development syndrome 2. Also called: Hyperphosphatasia with intellectual disability syndrome 2; GLYCOSYLPHOSPHATIDYLINOSITOL BIOSYNTHESIS DEFECT 6. Identifiers: Orphanet 247262, MedGen C3553637, MONDO:0013882, OMIM 614749.

Allele frequency attached by ClinVar (database versions not stated): TOPMed below 0.00001.

Submission:

Labcorp Genetics (formerly Invitae), Labcorp
Classification: Uncertain significance for Hyperphosphatasia with impaired intellectual development syndrome 2. Last evaluated: 2020-08-11. Review status: criteria provided, single submitter. Criteria: Invitae Variant Classification Sherloc (09022015). Collection method: clinical testing. Allele origin: germline.
Comment: In summary, the available evidence is currently insufficient to determine the role of this variant in disease. Therefore, it has been classified as a Variant of Uncertain Significance. Algorithms developed to predict the effect of missense changes on protein structure and function are either unavailable or do not agree on the potential impact of this missense change (SIFT: "Tolerated"; PolyPhen-2: "Probably Damaging"; Align-GVGD: "Class C0"). This variant has been observed in individual(s) with clinical features of PIGO-related conditions (Invitae). This variant is not present in population databases (ExAC no frequency). This sequence change replaces histidine with tyrosine at codon 239 of the PIGO protein (p.His239Tyr). The histidine residue is highly conserved and there is a moderate physicochemical difference between histidine and tyrosine.